The following is an entry in ClinVar:

NM_000548.5(TSC2):c.5032_5034del (p.Tyr1678del)

Gene: TSC2 (TSC complex subunit 2; plus strand). Cytogenetic location: 16p13.3.
Variant type: Deletion.
Coding change: c.5032_5034del on transcript NM_000548.5 (MANE Select); coding-DNA positions 5032 to 5034, 3 bases deleted (TAC; older notation c.5032_5034delTAC).
Protein change: p.Tyr1678del; deletes tyrosine 1678.
Molecular consequence: non-coding transcript variant (on NR_176225.1).
Genome position (GRCh38, 1-based): chr16:2,087,905-2,087,907, TAC deleted; deleting any 3 consecutive bases within chr16:2,087,903-2,087,907 gives the same sequence; the c. name uses the placement nearest the transcript's 3' end. VCF-style (leftmost placement, unchanged base first): chr16-2087902-GACT-G. GRCh37 (hg19) VCF-style: chr16-2137903-GACT-G.
Other names: c.4231_4233del, p.Tyr1411del (NM_001406688.1, NM_001406687.1); c.3619_3621del, p.Tyr1207del (NM_001406689.1); c.3559_3561del, p.Tyr1187del (NM_001406690.1); c.3556_3558del, p.Tyr1186del (NM_001406691.1); c.3490_3492del, p.Tyr1164del (NM_001406692.1, NM_001406693.1, NM_001406694.1); c.3487_3489del, p.Tyr1163del (NM_001406695.1, NM_001406696.1, NM_001406697.1); c.4831_4833del, p.Tyr1611del (NM_001077183.3); c.4963_4965del, p.Tyr1655del (NM_001114382.3); and 26 more; short protein forms Y1411del, Y1478del, Y1606del, Y1607del, Y1608del, Y1611del, Y1652del, Y1077del.
Identifiers: ClinVar variation 3706310 (VCV003706310.3).

ClinVar aggregate classification (germline): Uncertain significance. Review status: criteria provided, multiple submitters, no conflicts (2 of 4 stars). 2 submissions from 2 submitters: Uncertain significance (2). Last evaluated 2026-03-12.

Conditions:
Hereditary cancer-predisposing syndrome. Also called: Hereditary Cancer Syndrome; Neoplastic Syndromes, Hereditary; Tumor predisposition; Hereditary neoplastic syndrome. Identifiers: Orphanet 140162, MedGen C0027672, MeSH D009386, MONDO:0015356.
Tuberous sclerosis 2 (TSC2). Identifiers: Orphanet 805, MedGen C1860707, MONDO:0013199, OMIM 613254.

Submissions (2):

Ambry Genetics
Classification: Uncertain significance for Hereditary cancer-predisposing syndrome. Last evaluated: 2026-03-12. Review status: criteria provided, single submitter. Criteria: Ambry Variant Classification Scheme 2023. Collection method: clinical testing. Allele origin: germline.
Comment: The c.5032_5034delTAC variant (also known as p.Y1678del) is located in coding exon 38 of the TSC2 gene. This variant results from an in-frame TAC deletion at nucleotide positions 5032 to 5034. This results in the in-frame deletion of a tyrosine at codon 1678. This amino acid position is highly conserved in available vertebrate species. In addition, this variant is predicted to be deleterious by in silico analysis. Based on the available evidence, the clinical significance of this variant remains unclear.

Labcorp Genetics (formerly Invitae), Labcorp
Classification: Uncertain significance for Tuberous sclerosis 2. Last evaluated: 2024-03-06. Review status: criteria provided, single submitter. Criteria: Invitae Variant Classification Sherloc (09022015). Collection method: clinical testing. Allele origin: germline.
Comment: This variant, c.5032_5034del, results in the deletion of 1 amino acid(s) of the TSC2 protein (p.Tyr1678del), but otherwise preserves the integrity of the reading frame. This variant is not present in population databases (gnomAD no frequency). This variant has not been reported in the literature in individuals affected with TSC2-related conditions. Experimental studies and prediction algorithms are not available or were not evaluated, and the functional significance of this variant is currently unknown. In summary, the available evidence is currently insufficient to determine the role of this variant in disease. Therefore, it has been classified as a Variant of Uncertain Significance.